The following is an entry in ClinVar:

ClinVar aggregate classification (germline): Likely benign. Review status: criteria provided, single submitter (1 of 4 stars). 2 submissions from 2 submitters: Likely benign (1). 1 of the submissions does not count toward it. Last evaluated 2025-11-15.

Conditions:
CAD-related disorder. Also called: CAD-related condition.

Allele frequency attached by ClinVar (database versions not stated): gnomAD exomes below 0.00001 and 0.00002; ExAC 0.00001; gnomAD 0.00001; TOPMed 0.00007; 1000 Genomes Project 30x 0.00016; 1000 Genomes Project 0.00020.
gnomAD v4.1: 5 of 1,612,916 alleles (0.00031%); highest among the groups gnomAD compares: African/African-American, 0.004%; no homozygotes.

Submissions (2):

Labcorp Genetics (formerly Invitae), Labcorp
Classification: Likely benign. Last evaluated: 2025-11-15. Review status: criteria provided, single submitter. Criteria: Invitae Variant Classification Sherloc (09022015). Collection method: clinical testing. Allele origin: germline.

PreventionGenetics, part of Exact Sciences
Classification: Likely benign for CAD-related condition. Last evaluated: 2019-08-09. Review status: no assertion criteria provided. Collection method: clinical testing. Allele origin: germline. Not counted in ClinVar's aggregate classification.
Comment: This variant is classified as likely benign based on ACMG/AMP sequence variant interpretation guidelines (Richards et al. 2015 PMID: 25741868, with internal and published modifications).

NM_004341.5(CAD):c.4929G>T (p.Leu1643=)

Gene: CAD (carbamoyl-phosphate synthetase 2, aspartate transcarbamylase, and dihydroorotase; plus strand). Cytogenetic location: 2p23.3.
Variant type: single nucleotide variant.
Coding change: c.4929G>T on transcript NM_004341.5 (MANE Select); coding-DNA position 4929, G replaced by T.
Protein change: p.Leu1643=; no amino-acid change (leucine 1643 retained).
Molecular consequence: synonymous variant.
Genome position (GRCh38, 1-based): chr2:27,238,499, G>T. VCF-style: chr2-27238499-G-T. GRCh37 (hg19) VCF-style: chr2-27461367-G-T.
Other names: c.4929G>T (NM_004341.4); c.4740G>T, p.Leu1580= (NM_001306079.2).
Identifiers: ClinVar variation 1625486 (VCV001625486.10), dbSNP rs529547258, ClinGen allele CA1573697.